The following is an entry in ClinVar:

NM_015443.4(KANSL1):c.2667-283T>C

Gene: KANSL1 (KAT8 regulatory NSL complex subunit 1). Cytogenetic location: 17q21.31.
Variant type: single nucleotide variant.
Coding change: c.2667-283T>C on transcript NM_015443.4 (MANE Select); 283 bases into the intron before coding-DNA position 2667, T replaced by C.
Molecular consequence: intron variant.
Genome position (GRCh38, 1-based): chr17:46,033,743, A>G on the plus strand (T>C on the coding strand, the complement: KANSL1 is on the minus strand). VCF-style: chr17-46033743-A-G. GRCh37 (hg19) VCF-style: chr17-44111109-A-G.
Other names: c.2664-283T>C (NM_001193465.2); c.2667-283T>C (NM_001379198.1, NM_001193466.2).
Identifiers: ClinVar variation 668813 (VCV000668813.1), dbSNP rs62062321, ClinGen allele CA14404208.

ClinVar aggregate classification (germline): Benign (1 of 4 stars; one submission).

Allele frequency attached by ClinVar (database versions not stated): 1000 Genomes Project 30x 0.08542; 1000 Genomes Project 0.08646; gnomAD 0.14184 and 0.14471; TOPMed 0.14813.

Submission:

GeneDx
Classification: Benign. Last evaluated: 2018-06-19. Review status: criteria provided, single submitter. Criteria: GeneDx Variant Classification (06012015). Collection method: clinical testing. Allele origin: germline. Affected: yes.
Comment: This variant is considered likely benign or benign based on one or more of the following criteria: it is a conservative change, it occurs at a poorly conserved position in the protein, it is predicted to be benign by multiple in silico algorithms, and/or has population frequency not consistent with disease.